The following is an entry in ClinVar:

ClinVar aggregate classification (germline): Uncertain significance (1 of 4 stars; one submission).

gnomAD v4.1: 5 of 1,613,936 alleles (0.00031%); no homozygotes.

Submission:

Labcorp Genetics (formerly Invitae), Labcorp
Classification: Uncertain significance. Last evaluated: 2025-04-08. Review status: criteria provided, single submitter. Criteria: Invitae Variant Classification Sherloc (09022015). Collection method: clinical testing. Allele origin: germline.
Comment: This sequence change replaces histidine, which is basic and polar, with glutamine, which is neutral and polar, at codon 252 of the ETV6 protein (p.His252Gln). This variant is not present in population databases (gnomAD no frequency). This variant has not been reported in the literature in individuals affected with ETV6-related conditions. Invitae Evidence Modeling of protein sequence and biophysical properties (such as structural, functional, and spatial information, amino acid conservation, physicochemical variation, residue mobility, and thermodynamic stability) indicates that this missense variant is not expected to disrupt ETV6 protein function with a negative predictive value of 80%. In summary, the available evidence is currently insufficient to determine the role of this variant in disease. Therefore, it has been classified as a Variant of Uncertain Significance.

NM_001987.5(ETV6):c.756C>A (p.His252Gln)

Gene: ETV6 (ETS variant transcription factor 6; plus strand). Cytogenetic location: 12p13.2.
Variant type: single nucleotide variant.
Coding change: c.756C>A on transcript NM_001987.5 (MANE Select); coding-DNA position 756, C replaced by A.
Protein change: p.His252Gln; replaces histidine 252 with glutamine.
Molecular consequence: missense variant.
Genome position (GRCh38, 1-based): chr12:11,869,716, C>A. VCF-style: chr12-11869716-C-A. GRCh37 (hg19) VCF-style: chr12-12022650-C-A.
Other names: c.753C>A, p.His251Gln (NM_001413913.1); c.729C>A, p.His243Gln (NM_001413914.1); c.492C>A, p.His164Gln (NM_001413915.1); c.756C>A, p.His252Gln (NM_001413916.1, NM_001413917.1); short protein forms H251Q, H164Q, H252Q, H243Q.
Identifiers: ClinVar variation 4746526 (VCV004746526.1).